The following is an entry in ClinVar:

NM_001036.6(RYR3):c.1437+8G>A

Gene: RYR3 (ryanodine receptor 3; plus strand). Cytogenetic location: 15q14.
Variant type: single nucleotide variant.
Coding change: c.1437+8G>A on transcript NM_001036.6 (MANE Select); 8 bases into the intron after coding-DNA position 1437, G replaced by A.
Molecular consequence: intron variant.
Genome position (GRCh38, 1-based): chr15:33,580,152, G>A. VCF-style: chr15-33580152-G-A. GRCh37 (hg19) VCF-style: chr15-33872353-G-A.
Other names: c.1437+8G>A (NM_001243996.4).
Identifiers: ClinVar variation 461879 (VCV000461879.13), dbSNP rs190742260, ClinGen allele CA7458128.

ClinVar aggregate classification (germline): Benign/Likely benign. Review status: criteria provided, multiple submitters, no conflicts (2 of 4 stars). 2 submissions from 2 submitters: Benign (1); Likely benign (1). Last evaluated 2026-09-01.

Conditions:
Epileptic encephalopathy. Identifiers: MedGen C0543888, HP:0200134.

Allele frequency attached by ClinVar (database versions not stated): gnomAD 0.00064 and 0.00065; 1000 Genomes Project 30x 0.00094; 1000 Genomes Project 0.00100; TOPMed 0.00127; ExAC 0.00201; gnomAD exomes 0.00258.
gnomAD v4.1: 738 of 1,581,280 alleles (0.047%); highest among the groups gnomAD compares: Admixed American, 1.3%; 4 homozygotes.

Submissions (2):

CeGaT Center for Human Genetics Tuebingen
Classification: Likely benign. Last evaluated: 2026-09-01. Review status: criteria provided, single submitter. Criteria: CeGaT Center For Human Genetics Tuebingen Variant Classification Criteria Version 2. Collection method: clinical testing. Allele origin: germline. Affected: yes. Observed: 3 variant alleles.
Comment: RYR3: BP4, BS1

Labcorp Genetics (formerly Invitae), Labcorp
Classification: Benign for Epileptic encephalopathy. Last evaluated: 2026-01-15. Review status: criteria provided, single submitter. Criteria: Invitae Variant Classification Sherloc (09022015). Collection method: clinical testing. Allele origin: germline.